The following is an entry in ClinVar:

NM_000051.4(ATM):c.61A>C (p.Thr21Pro)

Gene: ATM (ATM serine/threonine kinase; plus strand). Cytogenetic location: 11q22.3.
Variant type: single nucleotide variant.
Coding change: c.61A>C on transcript NM_000051.4 (MANE Select); coding-DNA position 61, A replaced by C.
Protein change: p.Thr21Pro; replaces threonine 21 with proline.
Molecular consequence: missense variant.
Genome position (GRCh38, 1-based): chr11:108,227,685, A>C. VCF-style: chr11-108227685-A-C. GRCh37 (hg19) VCF-style: chr11-108098412-A-C.
Other names: c.61A>C, p.Thr21Pro (NM_001351834.2, NM_001351835.2, NM_001351836.2); short protein forms T21P.
Identifiers: ClinVar variation 2830386 (VCV002830386.3), dbSNP rs1565344141, ClinGen allele CA382519316.

ClinVar aggregate classification (germline): Uncertain significance (1 of 4 stars; one submission).

Conditions:
Ataxia-telangiectasia syndrome (AT). Also called: LOUIS-BAR SYNDROME; Ataxia-telangiectasia, complementation group D; ATAXIA-TELANGIECTASIA, COMPLEMENTATION GROUP A; ATAXIA-TELANGIECTASIA, FRESNO VARIANT; Ataxia-telangiectasia; Ataxia telangiectasia (A-T). Identifiers: Orphanet 100, MedGen C0004135, MONDO:0008840, OMIM 208900.

Submission:

Labcorp Genetics (formerly Invitae), Labcorp
Classification: Uncertain significance for Ataxia-telangiectasia syndrome. Last evaluated: 2023-01-20. Review status: criteria provided, single submitter. Criteria: Invitae Variant Classification Sherloc (09022015). Collection method: clinical testing. Allele origin: germline.
Comment: This variant has not been reported in the literature in individuals affected with ATM-related conditions. This variant is not present in population databases (gnomAD no frequency). This sequence change replaces threonine, which is neutral and polar, with proline, which is neutral and non-polar, at codon 21 of the ATM protein (p.Thr21Pro). In summary, the available evidence is currently insufficient to determine the role of this variant in disease. Therefore, it has been classified as a Variant of Uncertain Significance. Advanced modeling of protein sequence and biophysical properties (such as structural, functional, and spatial information, amino acid conservation, physicochemical variation, residue mobility, and thermodynamic stability) performed at Invitae indicates that this missense variant is not expected to disrupt ATM protein function.